The following is an entry in ClinVar:

NM_024675.4(PALB2):c.1194G>T (p.Val398=)

Gene: PALB2 (partner and localizer of BRCA2; minus strand). Cytogenetic location: 16p12.2.
Variant type: single nucleotide variant.
Coding change: c.1194G>T on transcript NM_024675.4 (MANE Select); coding-DNA position 1194, G replaced by T.
Protein change: p.Val398=; no amino-acid change (valine 398 retained).
Molecular consequence: synonymous variant.
Genome position (GRCh38, 1-based): chr16:23,635,352, C>A on the plus strand (G>T on the coding strand, the complement: PALB2 is on the minus strand). VCF-style: chr16-23635352-C-A. GRCh37 (hg19) VCF-style: chr16-23646673-C-A.
Identifiers: ClinVar variation 225861 (VCV000225861.16), dbSNP rs61755173, ClinGen allele CA10576114.
Genomic context (GRCh38, chr16:23,635,352, plus strand): 5'-ATTGGACATGCTTCGTGTTGTTCTAACATAATATTCTGCAGGAAACAGAAGGCCTTCAGG[C>A]ACTGTGCAAGAATGTTTTTCTGCAGAAAGAGGAGAGGTTGCTTCCAGGCTAAGACTCTTA-3'
Protein context (NP_078951.2, residues 388-408): PLSAEKHSCT[Val398=]PEGLLFPAEY

ClinVar aggregate classification (germline): Conflicting classifications of pathogenicity. Review status: criteria provided, conflicting classifications (1 of 4 stars). 5 submissions from 5 submitters: Uncertain significance (1); Benign (1); Likely benign (3). Last evaluated 2025-01-13.

Conditions:
Hereditary cancer-predisposing syndrome. Also called: Tumor predisposition; Hereditary neoplastic syndrome; Neoplastic Syndromes, Hereditary; Hereditary Cancer Syndrome. Identifiers: Orphanet 140162, MedGen C0027672, MeSH D009386, MONDO:0015356.
Familial cancer of breast. Also called: hereditary breast carcinoma; BREAST CANCER, FAMILIAL; Hereditary breast cancer. Identifiers: Orphanet 227535, MedGen C0346153, MONDO:0016419, OMIM 114480. Disease mechanism: loss of function.

gnomAD v4.1: 1 of 1,613,992 alleles (0.000062%); highest among the groups gnomAD compares: Non-Finnish European, 0.000085%; no homozygotes.

Submissions (5):

Myriad Genetics, Inc.
Classification: Benign for Familial cancer of breast. Last evaluated: 2025-01-13. Review status: criteria provided, single submitter. Criteria: Myriad Autosomal Dominant, Autosomal Recessive and X-Linked Classification Criteria (2023). Collection method: clinical testing. Allele origin: unknown.
Comment: This variant is considered benign. This variant is a silent/synonymous amino acid change and it is not expected to impact splicing.

Labcorp Genetics (formerly Invitae), Labcorp
Classification: Likely benign for Familial cancer of breast. Last evaluated: 2024-11-21. Review status: criteria provided, single submitter. Criteria: Invitae Variant Classification Sherloc (09022015). Collection method: clinical testing. Allele origin: germline.

Quest Diagnostics Nichols Institute San Juan Capistrano
Classification: Uncertain significance. Last evaluated: 2024-02-24. Review status: criteria provided, single submitter. Criteria: Quest Diagnostics criteria. Collection method: clinical testing. Allele origin: unknown.
Comment: The PALB2 c.1194G>T (p.Val398=) synonymous variant has not been reported in individuals with PALB2-related conditions in the published literature. It also has not been reported in large, multi-ethnic general populations (Genome Aggregation Database). Analysis of this variant using software algorithms for the prediction of the effect of nucleotide changes on splicing yielded predictions that this variant does not affect PALB2 mRNA splicing. Based on the available information, we are unable to determine the clinical significance of this variant.

Ambry Genetics
Classification: Likely benign for Hereditary cancer-predisposing syndrome. Last evaluated: 2022-07-17. Review status: criteria provided, single submitter. Criteria: Ambry Variant Classification Scheme 2023. Collection method: clinical testing. Allele origin: germline.

Cancer Genetics Laboratory, Peter MacCallum Cancer Centre
Classification: Likely benign for Familial cancer of breast. Last evaluated: 2015-06-01. Review status: criteria provided, single submitter. Criteria: Thompson et al. (Breast Cancer Res. 2015). Collection method: case-control. Allele origin: germline. Affected: no. Observed: 8 variant alleles, 8 heterozygotes.